The following is an entry in ClinVar:

ClinVar aggregate classification (germline): Pathogenic (1 of 4 stars; one submission).

Submission:

Labcorp Genetics (formerly Invitae), Labcorp
Classification: Pathogenic. Last evaluated: 2023-02-17. Review status: criteria provided, single submitter. Criteria: Invitae Variant Classification Sherloc (09022015). Collection method: clinical testing. Allele origin: germline.
Comment: For these reasons, this variant has been classified as Pathogenic. This variant has not been reported in the literature in individuals affected with ADGRV1-related conditions. This variant is not present in population databases (gnomAD no frequency). This sequence change creates a premature translational stop signal (p.Glu2607*) in the ADGRV1 gene. It is expected to result in an absent or disrupted protein product. Loss-of-function variants in ADGRV1 are known to be pathogenic (PMID: 19357117, 22135276, 22147658, 26226137, 30718709, 31047384, 32467589).

Literature cited by the submitters: PubMed 19357117; PubMed 22135276; PubMed 22147658; PubMed 26226137; PubMed 30718709; PubMed 31047384; PubMed 32467589.

NM_032119.4(ADGRV1):c.7819G>T (p.Glu2607Ter)

Gene: ADGRV1 (adhesion G protein-coupled receptor V1; plus strand). Cytogenetic location: 5q14.3.
Variant type: single nucleotide variant.
Coding change: c.7819G>T on transcript NM_032119.4 (MANE Select); coding-DNA position 7819, G replaced by T.
Protein change: p.Glu2607Ter; replaces glutamic acid 2607 with a stop codon.
Molecular consequence: nonsense. On other transcripts: non-coding transcript variant (1).
Genome position (GRCh38, 1-based): chr5:90,694,575, G>T. VCF-style: chr5-90694575-G-T. GRCh37 (hg19) VCF-style: chr5-89990392-G-T.
Other names: short protein forms E2607*.
Identifiers: ClinVar variation 2797550 (VCV002797550.3), dbSNP rs2530957121, ClinGen allele CA360381688.